The following is an entry in ClinVar:

NM_000455.5(STK11):c.43G>A (p.Gly15Ser)

Gene: STK11 (serine/threonine kinase 11; plus strand). Cytogenetic location: 19p13.3.
Variant type: single nucleotide variant.
Coding change: c.43G>A on transcript NM_000455.5 (MANE Select); coding-DNA position 43, G replaced by A.
Protein change: p.Gly15Ser; replaces glycine 15 with serine.
Molecular consequence: missense variant.
Genome position (GRCh38, 1-based): chr19:1,206,956, G>A. VCF-style: chr19-1206956-G-A. GRCh37 (hg19) VCF-style: chr19-1206955-G-A.
Other names: short protein forms G15S.
Identifiers: ClinVar variation 403797 (VCV000403797.24), dbSNP rs1060499970, ClinGen allele CA16616212.

ClinVar aggregate classification (germline): Conflicting classifications of pathogenicity. Review status: criteria provided, conflicting classifications (1 of 4 stars). 7 submissions from 7 submitters: Uncertain significance (5); Benign (1); Likely benign (1). Last evaluated 2026-01-26.

Conditions:
Hereditary cancer-predisposing syndrome. Also called: Tumor predisposition; Neoplastic Syndromes, Hereditary; Hereditary Cancer Syndrome; Hereditary neoplastic syndrome. Identifiers: Orphanet 140162, MedGen C0027672, MeSH D009386, MONDO:0015356.
Peutz-Jeghers syndrome (PJS). Also called: Peutz-Jeghers polyposis; Periorificial lentiginosis syndrome; POLYPOSIS, HAMARTOMATOUS INTESTINAL; POLYPS-AND-SPOTS SYNDROME. Identifiers: Orphanet 2869, MedGen C0031269, MeSH D010580, MONDO:0008280, OMIM 175200.

Allele frequency attached by ClinVar (database versions not stated): gnomAD exomes below 0.00001.
gnomAD v4.1: 1 of 1,607,328 alleles (0.000062%); highest among the groups gnomAD compares: Non-Finnish European, 0.000085%; no homozygotes.

Submissions (7):

Labcorp Genetics (formerly Invitae), Labcorp
Classification: Benign for Peutz-Jeghers syndrome. Last evaluated: 2026-01-26. Review status: criteria provided, single submitter. Criteria: Invitae Variant Classification Sherloc (09022015). Collection method: clinical testing. Allele origin: germline.

Molecular Diagnostics Laboratory, Catalan Institute of Oncology
Classification: Uncertain significance for Hereditary cancer-predisposing syndrome. Last evaluated: 2024-10-06. Review status: criteria provided, single submitter. Criteria: ACMG Guidelines, 2015. Collection method: clinical testing. Allele origin: germline.
Comment: PM2_Supporting, BP4_moderate c.43G>A, located in exon 1 of the STK11 gene, is predicted to result in the substitution of glycine by serine at codon 15, p.(Gly15Ser). It is not present in the population database gnomAD v2.1.1, non-cancer dataset (PM2_supporting). The SpliceAI algorithm predicts no significant impact on splicing and the REVEL meta-predictor score for this variant (0,066) suggests that it does not affect the protein function according to Pejaver 2022 thresholds (PMID: 36413997)(BP4_moderate). Moreover, it has been identified in the ClinVar (3x uncertain significance, 1x likely benign) and LOVD (2x uncertain significance) databases. Based on currently available information, the variant c.43G>A is classified as an uncertain significance variant according to ACMG guidelines.

Ambry Genetics
Classification: Likely benign for Hereditary cancer-predisposing syndrome. Last evaluated: 2024-05-28. Review status: criteria provided, single submitter. Criteria: Ambry Variant Classification Scheme 2023. Collection method: clinical testing. Allele origin: germline.

All of Us Research Program, National Institutes of Health
Classification: Uncertain significance for Peutz-Jeghers syndrome. Last evaluated: 2024-03-05. Review status: criteria provided, single submitter. Criteria: ACMG Guidelines, 2015. Collection method: clinical testing. Allele origin: germline. Inheritance: Autosomal dominant inheritance. Observed: 1 variant allele, 1 heterozygote.
Comment: This missense variant replaces glycine with serine at codon 15 of the STK11 protein. Computational prediction suggests that this variant may not impact protein structure and function (internally defined REVEL score threshold <= 0.5, PMID: 27666373). To our knowledge, functional studies have not been reported for this variant. This variant has been reported in an individual affected with pancreatic ductal adenocarcinoma in the literature (PMID: 28767289). This variant has not been identified in the general population by the Genome Aggregation Database (gnomAD). The available evidence is insufficient to determine the role of this variant in disease conclusively. Therefore, this variant is classified as a Variant of Uncertain Significance.

This study involves interpretation of variants in research participants for the purpose of population health screening. Participant phenotype was not available at the time of variant classification. Additional details can be found in publication PMID: 35346344, PMCID: PMC8962531

Department of Pathology and Laboratory Medicine, Sinai Health System
Classification: Uncertain significance for Peutz-Jeghers syndrome. Last evaluated: 2022-12-12. Review status: criteria provided, single submitter. Criteria: ACMG Guidelines, 2015. Collection method: clinical testing. Allele origin: germline. Affected: yes.

Color Diagnostics, LLC DBA Color Health
Classification: Uncertain significance for Hereditary cancer-predisposing syndrome. Last evaluated: 2021-12-26. Review status: criteria provided, single submitter. Criteria: ACMG Guidelines, 2015. Collection method: clinical testing. Allele origin: germline.
Comment: This missense variant replaces glycine with serine at codon 15 of the STK11 protein. Computational prediction suggests that this variant may not impact protein structure and function (internally defined REVEL score threshold <= 0.5, PMID: 27666373). To our knowledge, functional studies have not been reported for this variant. This variant has been reported in an individual affected with pancreatic ductal adenocarcinoma in the literature (PMID: 28767289). This variant has not been identified in the general population by the Genome Aggregation Database (gnomAD). The available evidence is insufficient to determine the role of this variant in disease conclusively. Therefore, this variant is classified as a Variant of Uncertain Significance.

Genome-Nilou Lab
Classification: Uncertain significance for Peutz-Jeghers syndrome. Last evaluated: 2021-07-15. Review status: criteria provided, single submitter. Criteria: ACMG Guidelines, 2015. Collection method: clinical testing. Allele origin: germline. Affected: no.

Literature cited by the submitters: PubMed 28767289 (cited by 4 submitters).